The following is an entry in ClinVar:

NM_014317.5(PDSS1):c.1138G>A (p.Ala380Thr)

Gene: PDSS1 (decaprenyl diphosphate synthase subunit 1; plus strand). Cytogenetic location: 10p12.1.
Variant type: single nucleotide variant.
Coding change: c.1138G>A on transcript NM_014317.5 (MANE Select); coding-DNA position 1138, G replaced by A.
Protein change: p.Ala380Thr; replaces alanine 380 with threonine.
Molecular consequence: missense variant. On other transcripts: 3 prime UTR variant (1).
Genome position (GRCh38, 1-based): chr10:26,746,363, G>A. VCF-style: chr10-26746363-G-A. GRCh37 (hg19) VCF-style: chr10-27035292-G-A.
Other names: c.*26G>A (NM_001321978.2); c.628G>A, p.Ala210Thr (NM_001321979.2); short protein forms A210T, A380T.
Identifiers: ClinVar variation 2184083 (VCV002184083.4), dbSNP rs748477018, ClinGen allele CA5447160.

ClinVar aggregate classification (germline): Uncertain significance. Review status: criteria provided, multiple submitters, no conflicts (2 of 4 stars). 3 submissions from 3 submitters: Uncertain significance (3). Last evaluated 2024-07-23.

Conditions:
Deafness-encephaloneuropathy-obesity-valvulopathy syndrome. Identifiers: Orphanet 254898, MedGen C3553354, MONDO:0013837, OMIM 614651.

Allele frequency attached by ClinVar (database versions not stated): gnomAD 0.00001; TOPMed 0.00001; gnomAD exomes 0.00002; ExAC 0.00005.
gnomAD v4.1: 33 of 1,613,964 alleles (0.002%); highest among the groups gnomAD compares: Middle Eastern, 0.05%; no homozygotes.

Submissions (3):

Revvity Omics, Revvity
Classification: Uncertain significance for Deafness-encephaloneuropathy-obesity-valvulopathy syndrome. Last evaluated: 2024-07-23. Review status: criteria provided, single submitter. Criteria: ACMG Guidelines, 2015. Collection method: clinical testing. Allele origin: germline.

Blueprint Genetics
Classification: Uncertain significance. Last evaluated: 2024-03-07. Review status: criteria provided, single submitter. Criteria: ACMG Guidelines, 2015. Collection method: clinical testing. Allele origin: germline.

Labcorp Genetics (formerly Invitae), Labcorp
Classification: Uncertain significance. Last evaluated: 2022-10-25. Review status: criteria provided, single submitter. Criteria: Invitae Variant Classification Sherloc (09022015). Collection method: clinical testing. Allele origin: germline.
Comment: In summary, the available evidence is currently insufficient to determine the role of this variant in disease. Therefore, it has been classified as a Variant of Uncertain Significance. Advanced modeling of protein sequence and biophysical properties (such as structural, functional, and spatial information, amino acid conservation, physicochemical variation, residue mobility, and thermodynamic stability) performed at Invitae indicates that this missense variant is expected to disrupt PDSS1 protein function. This variant has not been reported in the literature in individuals affected with PDSS1-related conditions. This variant is present in population databases (rs748477018, gnomAD 0.01%). This sequence change replaces alanine, which is neutral and non-polar, with threonine, which is neutral and polar, at codon 380 of the PDSS1 protein (p.Ala380Thr).